The following is an entry in ClinVar:

ClinVar aggregate classification (germline): Uncertain significance. Review status: criteria provided, multiple submitters, no conflicts (2 of 4 stars). 2 submissions from 2 submitters: Uncertain significance (2). Last evaluated 2024-03-05.

Conditions:
Hereditary cancer-predisposing syndrome. Also called: Neoplastic Syndromes, Hereditary; Tumor predisposition; Hereditary Cancer Syndrome; Hereditary neoplastic syndrome. Identifiers: Orphanet 140162, MedGen C0027672, MeSH D009386, MONDO:0015356.
Lynch syndrome. Identifiers: Orphanet 144, MedGen C4552100, MONDO:0005835. Disease mechanism: loss of function.

Submissions (2):

All of Us Research Program, National Institutes of Health
Classification: Uncertain significance for Lynch syndrome. Last evaluated: 2024-03-05. Review status: criteria provided, single submitter. Criteria: ACMG Guidelines, 2015. Collection method: clinical testing. Allele origin: germline. Inheritance: Autosomal dominant inheritance. Observed: 1 variant allele, 1 heterozygote.
Comment: This study involves interpretation of variants in research participants for the purpose of population health screening. Participant phenotype was not available at the time of variant classification. Additional details can be found in publication PMID: 35346344, PMCID: PMC8962531

Ambry Genetics
Classification: Uncertain significance for Hereditary cancer-predisposing syndrome. Last evaluated: 2022-02-24. Review status: criteria provided, single submitter. Criteria: Ambry Variant Classification Scheme 2023. Collection method: clinical testing. Allele origin: germline.
Comment: The p.L60W variant (also known as c.179T>G), located in coding exon 1 of the MSH6 gene, results from a T to G substitution at nucleotide position 179. The leucine at codon 60 is replaced by tryptophan, an amino acid with similar properties. This amino acid position is conserved. In addition, this alteration is predicted to be tolerated by in silico analysis. Since supporting evidence is limited at this time, the clinical significance of this alteration remains unclear.

NM_000179.3(MSH6):c.179T>G (p.Leu60Trp)

Gene: MSH6 (mutS homolog 6; plus strand). Cytogenetic location: 2p16.3.
Variant type: single nucleotide variant.
Coding change: c.179T>G on transcript NM_000179.3 (MANE Select); coding-DNA position 179, T replaced by G.
Protein change: p.Leu60Trp; replaces leucine 60 with tryptophan.
Molecular consequence: missense variant. On other transcripts: 5 prime UTR variant (1).
Genome position (GRCh38, 1-based): chr2:47,783,412, T>G. VCF-style: chr2-47783412-T-G. GRCh37 (hg19) VCF-style: chr2-48010551-T-G.
Other names: c.179T>G, p.Leu60Trp (NM_001281492.2, NM_001406795.1, NM_001406796.1 and 9 more transcripts); c.-558T>G (NM_001281493.2, NM_001406811.1); c.-150T>G (NM_001406799.1); c.124T>G, p.Trp42Gly (NM_001406804.1); c.-750T>G (NM_001406807.1); c.-405T>G (NM_001406812.1); c.-816T>G (NM_001406814.1); c.-361T>G (NM_001406816.1); short protein forms L60W, W42G.
Identifiers: ClinVar variation 1780345 (VCV001780345.3), dbSNP rs1668129543, ClinGen allele CA346735012.